The following is an entry in ClinVar:

ClinVar aggregate classification (germline): Uncertain significance. Review status: criteria provided, multiple submitters, no conflicts (2 of 4 stars). 2 submissions from 2 submitters: Uncertain significance (2). Last evaluated 2021-02-11.

Conditions:
Cardiovascular phenotype. Identifiers: MedGen CN230736.
Hypertrophic cardiomyopathy. Also called: HYPERTROPHIC MYOCARDIOPATHY. Identifiers: Orphanet 217569, MedGen C0007194, MeSH D002312, MONDO:0005045, HP:0001639.

Submissions (2):

Ambry Genetics
Classification: Uncertain significance for Cardiovascular phenotype. Last evaluated: 2021-02-11. Review status: criteria provided, single submitter. Criteria: Ambry Variant Classification Scheme 2023. Collection method: clinical testing. Allele origin: germline.
Comment: The p.Y624N variant (also known as c.1870T>A), located in coding exon 14 of the MYH7 gene, results from a T to A substitution at nucleotide position 1870. The tyrosine at codon 624 is replaced by asparagine, an amino acid with dissimilar properties, and is located in the myosin head domain. This variant has also been reported in an HCM cohort and in a study of first degree relatives of HCM probands; however, clinical details were limited (Lopes LR et al. J Med Genet, 2013 Apr;50:228-39; Norrish G et al. Circulation, 2019 07;140:184-192). This amino acid position is highly conserved in available vertebrate species. In addition, this alteration is predicted to be deleterious by in silico analysis. Since supporting evidence is limited at this time, the clinical significance of this alteration remains unclear.

Labcorp Genetics (formerly Invitae), Labcorp
Classification: Uncertain significance for Hypertrophic cardiomyopathy. Last evaluated: 2019-03-06. Review status: criteria provided, single submitter. Criteria: Invitae Variant Classification Sherloc (09022015). Collection method: clinical testing. Allele origin: germline.
Comment: In summary, the available evidence is currently insufficient to determine the role of this variant in disease. Therefore, it has been classified as a Variant of Uncertain Significance. This variant is found within a region of MYH7 between codons 181 and 937 that contains the majority of the myosin head domain. Missense variants in this region have been shown to be significantly overrepresented in individuals with hypertrophic cardiomyopathy (PMID: 27532257). Algorithms developed to predict the effect of missense changes on protein structure and function (SIFT, PolyPhen-2, Align-GVGD) all suggest that this variant is likely to be disruptive, but these predictions have not been confirmed by published functional studies and their clinical significance is uncertain. This variant has been observed in an individual affected with hypertrophic obstructive cardiomyopathy (PMID: 9476679). This variant is not present in population databases (ExAC no frequency). This sequence change replaces tyrosine with asparagine at codon 624 of the MYH7 protein (p.Tyr624Asn). The tyrosine residue is highly conserved and there is a large physicochemical difference between tyrosine and asparagine.

Literature cited by the submitters: PubMed 23396983 (cited by Ambry Genetics); PubMed 28840316 (cited by Ambry Genetics); PubMed 31006259 (cited by Ambry Genetics); PubMed 9476679 (cited by Ambry Genetics and Labcorp Genetics (formerly Invitae), Labcorp); PubMed 27532257 (cited by Labcorp Genetics (formerly Invitae), Labcorp).

NM_000257.4(MYH7):c.1870T>A (p.Tyr624Asn)

Gene: MYH7 (myosin heavy chain 7; minus strand). Cytogenetic location: 14q11.2.
Variant type: single nucleotide variant.
Coding change: c.1870T>A on transcript NM_000257.4 (MANE Select); coding-DNA position 1870, T replaced by A.
Protein change: p.Tyr624Asn; replaces tyrosine 624 with asparagine.
Molecular consequence: missense variant.
Genome position (GRCh38, 1-based): chr14:23,427,603, A>T on the plus strand (T>A on the coding strand, the complement: MYH7 is on the minus strand). VCF-style: chr14-23427603-A-T. GRCh37 (hg19) VCF-style: chr14-23896812-A-T.
Other names: short protein forms Y624N.
Identifiers: ClinVar variation 854943 (VCV000854943.11), dbSNP rs1555338113, ClinGen allele CA389049647.